The following is an entry in ClinVar:

ClinVar aggregate classification (germline): Benign. Review status: criteria provided, multiple submitters, no conflicts (2 of 4 stars). 5 submissions from 5 submitters: Benign (5). Last evaluated 2026-02-03.

Conditions:
Retinal dystrophy. Also called: Inherited retinal dystrophy. Identifiers: Orphanet 71862, MedGen C0854723, MeSH D058499, MONDO:0019118, HP:0000556.
Retinitis pigmentosa 54 (RP54). Identifiers: Orphanet 791, MedGen C3150691, MONDO:0013263, OMIM 613428.
Retinitis pigmentosa (RP). Identifiers: Orphanet 791, MedGen C0035334, MeSH D012174, MONDO:0019200, OMIM 268000. Inheritance: Autosomal dominant, autosomal recessive and X linked inheritance.

Allele frequency attached by ClinVar (database versions not stated): ESP Exome Variant Server 0.15286; gnomAD 0.16186; TOPMed 0.17726; 1000 Genomes Project 0.22724; 1000 Genomes Project 30x 0.22783.

Submissions (5):

Labcorp Genetics (formerly Invitae), Labcorp
Classification: Benign. Last evaluated: 2026-02-03. Review status: criteria provided, single submitter. Criteria: Invitae Variant Classification Sherloc (09022015). Collection method: clinical testing. Allele origin: germline.

ARUP Laboratories, Molecular Genetics and Genomics, ARUP Laboratories
Classification: Benign for Retinitis pigmentosa 54. Last evaluated: 2023-11-29. Review status: criteria provided, single submitter. Criteria: ARUP Molecular Germline Variant Investigation Process 2024. Collection method: clinical testing. Allele origin: germline.

Dept Of Ophthalmology, Nagoya University
Classification: Benign for Retinal dystrophy. Last evaluated: 2023-10-01. Review status: criteria provided, single submitter. Criteria: Submitter's publication. Collection method: research. Allele origin: germline. Affected: yes.

Illumina Laboratory Services, Illumina
Classification: Benign for Retinitis pigmentosa. Last evaluated: 2018-01-13. Review status: criteria provided, single submitter. Criteria: ICSL Variant Classification Criteria 13 December 2019. Collection method: clinical testing. Allele origin: germline.
Comment: This variant was observed in the ICSL laboratory as part of a predisposition screen in an ostensibly healthy population. It had not been previously curated by ICSL or reported in the Human Gene Mutation Database (HGMD: prior to June 1st, 2018), and was therefore a candidate for classification through an automated scoring system. Utilizing variant allele frequency, disease prevalence and penetrance estimates, and inheritance mode, an automated score was calculated to assess if this variant is too frequent to cause the disease. Based on the score and internal cut-off values, a variant classified as benign is not then subjected to further curation. The score for this variant resulted in a classification of benign for this disease.

Breakthrough Genomics
Classification: Benign. Review status: criteria provided, single submitter. Criteria: ACMG Guidelines, 2015. Collection method: not provided. Allele origin: germline. Inheritance: Unknown mechanism. Affected: yes.

NM_001029883.3(PCARE):c.1739C>T (p.Thr580Met)

Gene: PCARE (photoreceptor cilium actin regulator; minus strand). Cytogenetic location: 2p23.2.
Variant type: single nucleotide variant.
Coding change: c.1739C>T on transcript NM_001029883.3 (MANE Select); coding-DNA position 1739, C replaced by T.
Protein change: p.Thr580Met; replaces threonine 580 with methionine.
Molecular consequence: missense variant.
Genome position (GRCh38, 1-based): chr2:29,072,523, G>A on the plus strand (C>T on the coding strand, the complement: PCARE is on the minus strand). VCF-style: chr2-29072523-G-A. GRCh37 (hg19) VCF-style: chr2-29295389-G-A.
Other names: short protein forms T580M.
Identifiers: ClinVar variation 335655 (VCV000335655.25), dbSNP rs10166913, ClinGen allele CA1592365.